The following is an entry in ClinVar:

NM_000051.4(ATM):c.331+2dup

Gene: ATM (ATM serine/threonine kinase; plus strand). Cytogenetic location: 11q22.3.
Variant type: Duplication.
Coding change: c.331+2dup on transcript NM_000051.4 (MANE Select); the canonical splice donor site of the intron after coding-DNA position 331, one base duplicated (T; older notation c.331+2dupT).
Molecular consequence: splice donor variant. On other transcripts: nonsense (2).
Genome position (GRCh38, 1-based): chr11:108,229,325, T duplicated. VCF-style (leftmost placement, unchanged base first): chr11-108229324-G-GT. GRCh37 (hg19) VCF-style: chr11-108100051-G-GT.
Other names: c.333dup, p.Lys112Ter (NM_001351835.2, NM_001351836.2); c.331+2dup (NM_001351834.2); short protein forms K112*.
Identifiers: ClinVar variation 3232976 (VCV003232976.4), dbSNP rs2496924562, ClinGen allele CA2825001747.
Genomic context (GRCh38, chr11:108,229,324, plus strand): 5'-AGAAAAAGATGCAGGAAATCAGTAGTTTGGTCAAATACTTCATCAAATGTGCAAACAGAA[G>GT]TAAGTGATGTTATAAATTATAAATAAATGGCTTAACAGATTACTGTCGCGTGAGTTTTTT-3'

ClinVar aggregate classification (germline): Conflicting classifications of pathogenicity. Review status: criteria provided, conflicting classifications (1 of 4 stars). 2 submissions from 2 submitters: Likely pathogenic (1); Uncertain significance (1). Last evaluated 2025-04-22.

Conditions:
Ataxia-telangiectasia syndrome (AT). Also called: ATAXIA-TELANGIECTASIA, COMPLEMENTATION GROUP A; Ataxia-telangiectasia, complementation group E; Cerebello-oculocutaneous telangiectasia; Immunodeficiency with ataxia telangiectasia; LOUIS-BAR SYNDROME; ATAXIA-TELANGIECTASIA, FRESNO VARIANT. Identifiers: Orphanet 100, MedGen C0004135, MONDO:0008840, OMIM 208900.
Hereditary cancer-predisposing syndrome. Also called: Hereditary Cancer Syndrome; Tumor predisposition; Neoplastic Syndromes, Hereditary; Hereditary neoplastic syndrome. Identifiers: Orphanet 140162, MedGen C0027672, MeSH D009386, MONDO:0015356.

Submissions (2):

Ambry Genetics
Classification: Likely pathogenic for Hereditary cancer-predisposing syndrome. Last evaluated: 2025-04-22. Review status: criteria provided, single submitter. Criteria: Ambry Variant Classification Scheme 2023. Collection method: clinical testing. Allele origin: germline.
Comment: The c.331+2dupT intronic variant is located 2 nucleotides after coding exon 3 of the ATM gene. This variant results from a duplication of one nucleotide at position c.331+2. This nucleotide position is highly conserved in available vertebrate species. In silico splice site analysis predicts that this alteration will weaken the native splice donor site. This variant is considered to be rare based on population cohorts in the Genome Aggregation Database (gnomAD). Alterations that disrupt the canonical splice site are expected to cause aberrant splicing, resulting in an abnormal protein or a transcript that is subject to nonsense-mediated mRNA decay. As such, this alteration is classified as likely pathogenic.

Labcorp Genetics (formerly Invitae), Labcorp
Classification: Uncertain significance for Ataxia-telangiectasia syndrome. Last evaluated: 2024-07-24. Review status: criteria provided, single submitter. Criteria: Invitae Variant Classification Sherloc (09022015). Collection method: clinical testing. Allele origin: germline.
Comment: This sequence change falls in intron 4 of the ATM gene. It does not directly change the encoded amino acid sequence of the ATM protein. It affects a nucleotide within the consensus splice site. This variant is not present in population databases (gnomAD no frequency). This variant has not been reported in the literature in individuals affected with ATM-related conditions. Variants that disrupt the consensus splice site are a relatively common cause of aberrant splicing (PMID: 17576681, 9536098). Algorithms developed to predict the effect of sequence changes on RNA splicing suggest that this variant may disrupt the consensus splice site. In summary, the available evidence is currently insufficient to determine the role of this variant in disease. Therefore, it has been classified as a Variant of Uncertain Significance.

Literature cited by the submitters: PubMed 17576681 (cited by Labcorp Genetics (formerly Invitae), Labcorp); PubMed 9536098 (cited by Labcorp Genetics (formerly Invitae), Labcorp).